The following is an entry in ClinVar:

NM_001734.5(C1S):c.1737del (p.Val580fs)

Gene: C1S (complement C1s; plus strand). Cytogenetic location: 12p13.31.
Variant type: Deletion.
Coding change: c.1737del on transcript NM_001734.5 (MANE Select); coding-DNA position 1737, one base deleted (T; older notation c.1737delT).
Protein change: p.Val580fs; shifts the reading frame from valine 580.
Molecular consequence: frameshift variant.
Genome position (GRCh38, 1-based): chr12:7,070,321, T deleted. VCF-style (leftmost placement, unchanged base first): chr12-7070320-CT-C. GRCh37 (hg19) VCF-style: chr12-7177624-CT-C.
Other names: c.1236del, p.Val413fs (NM_001346850.2); c.1737del, p.Val580fs (NM_201442.4); short protein forms V580fs, V413fs.
Identifiers: ClinVar variation 4773897 (VCV004773897.1).

ClinVar aggregate classification (germline): Pathogenic (1 of 4 stars; one submission).

Submission:

Labcorp Genetics (formerly Invitae), Labcorp
Classification: Pathogenic. Last evaluated: 2025-02-18. Review status: criteria provided, single submitter. Criteria: Invitae Variant Classification Sherloc (09022015). Collection method: clinical testing. Allele origin: germline.
Comment: This sequence change creates a premature translational stop signal (p.Val580Phefs*10) in the C1S gene. While this is not anticipated to result in nonsense mediated decay, it is expected to disrupt the last 109 amino acid(s) of the C1S protein. This variant is not present in population databases (gnomAD no frequency). This variant has not been reported in the literature in individuals affected with C1S-related conditions. This variant disrupts a region of the C1S protein in which other variant(s) (p.Glu597*) have been determined to be pathogenic (PMID: 9973493, 19155518). This suggests that this is a clinically significant region of the protein, and that variants that disrupt it are likely to be disease-causing. For these reasons, this variant has been classified as Pathogenic.

Literature cited by the submitters: PubMed 9973493; PubMed 19155518.